The following is an entry in ClinVar:

NM_001375380.1(EBF3):c.491G>C (p.Cys164Ser)

Gene: EBF3 (EBF transcription factor 3; minus strand). Cytogenetic location: 10q26.3.
Variant type: single nucleotide variant.
Coding change: c.491G>C on transcript NM_001375380.1 (MANE Select); coding-DNA position 491, G replaced by C.
Protein change: p.Cys164Ser; replaces cysteine 164 with serine.
Molecular consequence: missense variant.
Genome position (GRCh38, 1-based): chr10:129,957,321, C>G on the plus strand (G>C on the coding strand, the complement: EBF3 is on the minus strand). VCF-style: chr10-129957321-C-G. GRCh37 (hg19) VCF-style: chr10-131755585-C-G.
Other names: c.491G>C, p.Cys164Ser (NM_001005463.3, NM_001375379.1, NM_001375389.1 and 3 more transcripts); short protein forms C164S.
Identifiers: ClinVar variation 1285489 (VCV001285489.1), dbSNP rs2134610864, ClinGen allele CA378910574.

ClinVar aggregate classification (germline): Likely pathogenic (1 of 4 stars; one submission).

Conditions:
Hypotonia, ataxia, and delayed development syndrome (HADDS). Also called: EBF3 Neurodevelopmental Disorder. Identifiers: Orphanet 658843, MedGen C4310618, MONDO:0015021, OMIM 617330.

Submission:

Institute of Human Genetics, University of Leipzig Medical Center
Classification: Likely pathogenic for Hypotonia, ataxia, and delayed development syndrome. Last evaluated: 2020-12-18. Review status: criteria provided, single submitter. Criteria: ACMG Guidelines, 2015. Collection method: clinical testing. Allele origin: unknown, de novo. Affected: yes.
Comment: This variant was identified as de novo (maternity and paternity confirmed).